The following is an entry in ClinVar:

ClinVar aggregate classification (germline): Uncertain significance. Review status: criteria provided, multiple submitters, no conflicts (2 of 4 stars). 3 submissions from 3 submitters: Uncertain significance (3). Last evaluated 2023-06-29.

Conditions:
Inborn genetic diseases. Identifiers: MedGen C0950123, MeSH D030342.

Allele frequency attached by ClinVar (database versions not stated): gnomAD 0.00002; TOPMed 0.00002; gnomAD exomes 0.00005; ExAC 0.00011; 1000 Genomes Project 30x 0.00016; 1000 Genomes Project 0.00020.
gnomAD v4.1: 76 of 1,611,824 alleles (0.0047%); highest among the groups gnomAD compares: East Asian, 0.16%; no homozygotes.

Submissions (3):

Ambry Genetics
Classification: Uncertain significance for Inborn genetic diseases. Last evaluated: 2023-06-29. Review status: criteria provided, single submitter. Criteria: Ambry Variant Classification Scheme 2023. Collection method: clinical testing. Allele origin: germline.

Labcorp Genetics (formerly Invitae), Labcorp
Classification: Uncertain significance. Last evaluated: 2022-09-27. Review status: criteria provided, single submitter. Criteria: Invitae Variant Classification Sherloc (09022015). Collection method: clinical testing. Allele origin: germline.
Comment: This sequence change replaces asparagine, which is neutral and polar, with histidine, which is basic and polar, at codon 1052 of the TTLL5 protein (p.Asn1052His). This variant is present in population databases (rs201527415, gnomAD 0.1%). This variant has not been reported in the literature in individuals affected with TTLL5-related conditions. Advanced modeling of protein sequence and biophysical properties (such as structural, functional, and spatial information, amino acid conservation, physicochemical variation, residue mobility, and thermodynamic stability) performed at Invitae indicates that this missense variant is not expected to disrupt TTLL5 protein function. In summary, the available evidence is currently insufficient to determine the role of this variant in disease. Therefore, it has been classified as a Variant of Uncertain Significance.

Blueprint Genetics
Classification: Uncertain significance. Last evaluated: 2018-10-03. Review status: criteria provided, single submitter. Criteria: ACMG Guidelines, 2015. Collection method: clinical testing. Allele origin: germline.

NM_015072.5(TTLL5):c.3154A>C (p.Asn1052His)

Gene: TTLL5 (tubulin tyrosine ligase like 5; plus strand). Cytogenetic location: 14q24.3.
Variant type: single nucleotide variant.
Coding change: c.3154A>C on transcript NM_015072.5 (MANE Select); coding-DNA position 3154, A replaced by C.
Protein change: p.Asn1052His; replaces asparagine 1052 with histidine.
Molecular consequence: missense variant.
Genome position (GRCh38, 1-based): chr14:75,793,083, A>C. VCF-style: chr14-75793083-A-C. GRCh37 (hg19) VCF-style: chr14-76259426-A-C.
Other names: c.3154A>C (NM_015072.4); short protein forms N1052H.
Identifiers: ClinVar variation 1960556 (VCV001960556.5), dbSNP rs201527415, ClinGen allele CA7279904.